The following is an entry in ClinVar:

ClinVar aggregate classification (germline): Uncertain significance. Review status: criteria provided, multiple submitters, no conflicts (2 of 4 stars). 2 submissions from 2 submitters: Uncertain significance (2). Last evaluated 2024-11-19.

Conditions:
Epidermolysis bullosa simplex 5B, with muscular dystrophy (EBS5B). Also called: Epidermolysis bullosa simplex with muscular dystrophy; EPIDERMOLYSIS BULLOSA SIMPLEX AND LIMB-GIRDLE MUSCULAR DYSTROPHY. Identifiers: Orphanet 257, MedGen C2931072, MONDO:0009181, OMIM 226670.
Autosomal recessive limb-girdle muscular dystrophy type 2Q (LGMDR17). Also called: MUSCULAR DYSTROPHY, LIMB-GIRDLE, AUTOSOMAL RECESSIVE 17. Identifiers: Orphanet 254361, MedGen C3150989, MONDO:0013390, OMIM 613723.
Epidermolysis bullosa simplex with nail dystrophy (EBS5D). Identifiers: MedGen C4225309, MONDO:0014661, OMIM 616487.
Epidermolysis bullosa simplex 5C, with pyloric atresia (EBS5C). Also called: PLEC-Related Epidermolysis Bullosa with Pyloric Atresia; Epidermolysis bullosa simplex with pyloric atresia; PLEC1-Related Epidermolysis Bullosa with Pyloric Atresia. Identifiers: Orphanet 158684, MedGen C2677349, MONDO:0012807, OMIM 612138.
Epidermolysis bullosa simplex, Ogna type (EBS5A). Also called: Pidermolysis bullosa simplex 5A, Ogna type; EPIDERMOLYSIS BULLOSA SIMPLEX 5A, OGNA TYPE. Identifiers: Orphanet 79401, MedGen C0432317, MONDO:0007555, OMIM 131950.

Allele frequency attached by ClinVar (database versions not stated): gnomAD 0.00002 and 0.00003; ExAC 0.00003; TOPMed 0.00003; gnomAD exomes 0.00004.
gnomAD v4.1: 56 of 1,612,772 alleles (0.0035%); highest among the groups gnomAD compares: East Asian, 0.02%; no homozygotes.

Submissions (2):

Revvity Omics, Revvity
Classification: Uncertain significance. Last evaluated: 2024-11-19. Review status: criteria provided, single submitter. Criteria: ACMG Guidelines, 2015. Collection method: clinical testing. Allele origin: germline.

Labcorp Genetics (formerly Invitae), Labcorp
Classification: Uncertain significance for Autosomal recessive limb-girdle muscular dystrophy type 2Q; Epidermolysis bullosa simplex, Ogna type; Epidermolysis bullosa simplex with nail dystrophy; Epidermolysis bullosa simplex 5C, with pyloric atresia; Epidermolysis bullosa simplex 5B, with muscular dystrophy. Last evaluated: 2023-09-23. Review status: criteria provided, single submitter. Criteria: Invitae Variant Classification Sherloc (09022015). Collection method: clinical testing. Allele origin: germline.
Comment: In summary, the available evidence is currently insufficient to determine the role of this variant in disease. Therefore, it has been classified as a Variant of Uncertain Significance. An algorithm developed to predict the effect of missense changes on protein structure and function (PolyPhen-2) suggests that this variant is likely to be disruptive. ClinVar contains an entry for this variant (Variation ID: 966005). This variant has not been reported in the literature in individuals affected with PLEC-related conditions. This variant is present in population databases (rs781821437, gnomAD 0.03%). This sequence change replaces arginine, which is basic and polar, with cysteine, which is neutral and slightly polar, at codon 3258 of the PLEC protein (p.Arg3258Cys).

NM_201384.3(PLEC):c.9691C>T (p.Arg3231Cys)

Gene: PLEC (plectin; minus strand). Cytogenetic location: 8q24.3.
Variant type: single nucleotide variant.
Coding change: c.9691C>T on transcript NM_201384.3 (MANE Select); coding-DNA position 9691, C replaced by T.
Protein change: p.Arg3231Cys; replaces arginine 3231 with cysteine.
Molecular consequence: missense variant.
Genome position (GRCh38, 1-based): chr8:143,920,130, G>A on the plus strand (C>T on the coding strand, the complement: PLEC is on the minus strand). VCF-style: chr8-143920130-G-A. GRCh37 (hg19) VCF-style: chr8-144994298-G-A.
Other names: c.9772C>T, p.Arg3258Cys (NM_000445.5); c.9649C>T, p.Arg3217Cys (NM_201378.4); c.9625C>T, p.Arg3209Cys (NM_201379.3); c.10102C>T, p.Arg3368Cys (NM_201380.4); c.9595C>T, p.Arg3199Cys (NM_201381.3); c.9691C>T, p.Arg3231Cys (NM_201382.4); c.9703C>T, p.Arg3235Cys (NM_201383.3); short protein forms R3199C, R3209C, R3231C, R3368C, R3217C, R3235C, R3258C.
Identifiers: ClinVar variation 966005 (VCV000966005.12), dbSNP rs781821437, ClinGen allele CA4924887.